The following is an entry in ClinVar:

ClinVar aggregate classification (germline): Benign/Likely benign. Review status: criteria provided, multiple submitters, no conflicts (2 of 4 stars). 3 submissions from 3 submitters: Benign (1); Likely benign (2). Last evaluated 2025-04-08.

Conditions:
Hereditary cancer-predisposing syndrome. Also called: Neoplastic Syndromes, Hereditary; Tumor predisposition; Hereditary Cancer Syndrome; Hereditary neoplastic syndrome. Identifiers: Orphanet 140162, MedGen C0027672, MeSH D009386, MONDO:0015356.
Tuberous sclerosis 1 (TSC1). Identifiers: Orphanet 805, MedGen C1854465, MONDO:0008612, OMIM 191100.

Allele frequency attached by ClinVar (database versions not stated): gnomAD exomes below 0.00001.
gnomAD v4.1: 1 of 1,614,176 alleles (0.000062%); highest among the groups gnomAD compares: Non-Finnish European, 0.000085%; no homozygotes.

Submissions (3):

Myriad Genetics, Inc.
Classification: Benign for Tuberous sclerosis 1. Last evaluated: 2025-04-08. Review status: criteria provided, single submitter. Criteria: Myriad Autosomal Dominant, Autosomal Recessive and X-Linked Classification Criteria (2023). Collection method: clinical testing. Allele origin: unknown.
Comment: This variant is considered benign. This variant is a silent/synonymous amino acid change and it is not expected to impact splicing.

Labcorp Genetics (formerly Invitae), Labcorp
Classification: Likely benign for Tuberous sclerosis 1. Last evaluated: 2023-07-16. Review status: criteria provided, single submitter. Criteria: Invitae Variant Classification Sherloc (09022015). Collection method: clinical testing. Allele origin: germline.

Ambry Genetics
Classification: Likely benign for Hereditary cancer-predisposing syndrome. Last evaluated: 2020-08-15. Review status: criteria provided, single submitter. Criteria: Ambry Variant Classification Scheme 2023. Collection method: clinical testing. Allele origin: germline.

NM_000368.5(TSC1):c.483G>A (p.Leu161=)

Gene: TSC1 (TSC complex subunit 1; minus strand). Cytogenetic location: 9q34.13.
Variant type: single nucleotide variant.
Coding change: c.483G>A on transcript NM_000368.5 (MANE Select); coding-DNA position 483, G replaced by A.
Protein change: p.Leu161=; no amino-acid change (leucine 161 retained).
Molecular consequence: synonymous variant. On other transcripts: 5 prime UTR variant (5), non-coding transcript variant (5).
Genome position (GRCh38, 1-based): chr9:132,923,373, C>T on the plus strand (G>A on the coding strand, the complement: TSC1 is on the minus strand). VCF-style: chr9-132923373-C-T. GRCh37 (hg19) VCF-style: chr9-135798760-C-T.
Other names: c.483G>A, p.Leu161= (NM_001162426.2, NM_001406592.1, NM_001406593.1 and 16 more transcripts); c.330G>A, p.Leu110= (NM_001162427.2, NM_001406610.1, NM_001406611.1 and 2 more transcripts); c.120G>A, p.Leu40= (NM_001362177.2, NM_001406614.1, NM_001406615.1 and 10 more transcripts); c.-395G>A (NM_001406626.1, NM_001406627.1, NM_001406628.1); c.-537G>A (NM_001406629.1); c.-611G>A (NM_001406630.1).
Identifiers: ClinVar variation 1743492 (VCV001743492.8), dbSNP rs1846671974, ClinGen allele CA467593942.
Genomic context (GRCh38, chr9:132,923,373, plus strand): 5'-CACAGGGCCCAACAGGTATATGAGGAGATCTGTACCTGGTTTCTTCAGGCACCATGATGA[C>T]AGACGGCCAAAAATGTCAAAGAAATCAAGAAGATGCTGTTTCCCAGACTGTGGAATCATT-3'
Protein context (NP_000359.1, residues 151-171): LLDFFDIFGR[Leu161=]SSWCLKKPGH